The following is an entry in ClinVar:

NM_032383.5(HPS3):c.2503_2507del (p.Gly835fs)

Genes: CP (ceruloplasmin; minus strand), HPS3 (HPS3 biogenesis of lysosomal organelles complex 2 subunit 1; plus strand). Cytogenetic location: 3q24.
Variant type: Deletion.
Coding change: c.2503_2507del on transcript NM_032383.5 (MANE Select); coding-DNA positions 2503 to 2507, 5 bases deleted (GGCTT; older notation c.2503_2507delGGCTT).
Protein change: p.Gly835fs; shifts the reading frame from glycine 835.
Molecular consequence: frameshift variant.
Genome position (GRCh38, 1-based): chr3:149,163,863-149,163,867, GGCTT deleted; deleting any 5 consecutive bases within chr3:149,163,862-149,163,867 gives the same sequence; the c. name uses the placement nearest the transcript's 3' end. VCF-style (leftmost placement, unchanged base first): chr3-149163861-ATGGCT-A. GRCh37 (hg19) VCF-style: chr3-148881648-ATGGCT-A.
Other names: c.2008_2012del, p.Gly670fs (NM_001308258.2); short protein forms G670fs, G835fs.
Identifiers: ClinVar variation 5010362 (VCV005010362.1).

ClinVar aggregate classification (germline): Pathogenic (1 of 4 stars; one submission).

Conditions:
Hermansky-Pudlak syndrome 3 (HPS3). Identifiers: Orphanet 231512, Orphanet 79430, MedGen C3888001, MONDO:0013555, OMIM 614072.

Submission:

Myriad Genetics, Inc.
Classification: Pathogenic for Hermansky-Pudlak syndrome 3. Last evaluated: 2024-05-14. Review status: criteria provided, single submitter. Criteria: Myriad Autosomal Dominant, Autosomal Recessive and X-Linked Classification Criteria (2023). Collection method: clinical testing. Allele origin: unknown.
Comment: NM_032383.3(HPS3):c.2503_2507del5(G835Nfs*12) is expected to be pathogenic in the context of Hermansky-Pudlak syndrome, HPS3-related. This variant is predicted to lead to an abnormal or absent protein product due to the creation of a premature termination codon in HPS3, a gene where loss-of-function variants are known to be pathogenic. Please note: this variant was assessed in the context of healthy population screening.